The following is an entry in ClinVar:

NM_001220.5(CAMK2B):c.98A>C (p.Lys33Thr)

Gene: CAMK2B (calcium/calmodulin dependent protein kinase II beta; minus strand). Cytogenetic location: 7p13.
Variant type: single nucleotide variant.
Coding change: c.98A>C on transcript NM_001220.5 (MANE Select); coding-DNA position 98, A replaced by C.
Protein change: p.Lys33Thr; replaces lysine 33 with threonine.
Molecular consequence: missense variant.
Genome position (GRCh38, 1-based): chr7:44,284,193, T>G on the plus strand (A>C on the coding strand, the complement: CAMK2B is on the minus strand). VCF-style: chr7-44284193-T-G. GRCh37 (hg19) VCF-style: chr7-44323792-T-G.
Other names: c.98A>C, p.Lys33Thr (NM_001293170.2, NM_172078.3, NM_172079.3 and 5 more transcripts); short protein forms K33T.
Identifiers: ClinVar variation 2501378 (VCV002501378.1), dbSNP rs771521406, ClinGen allele CA367379867.

ClinVar aggregate classification (germline): Uncertain significance (1 of 4 stars; one submission).

gnomAD v4.1: 1 of 1,613,570 alleles (0.000062%); highest among the groups gnomAD compares: Non-Finnish European, 0.000085%; no homozygotes.

Submission:

GeneDx
Classification: Uncertain significance. Last evaluated: 2022-11-07. Review status: criteria provided, single submitter. Criteria: GeneDx Variant Classification Process June 2021. Collection method: clinical testing. Allele origin: germline. Affected: yes.
Comment: Not observed at significant frequency in large population cohorts (gnomAD); In silico analysis supports that this missense variant has a deleterious effect on protein structure/function; Has not been previously published as pathogenic or benign to our knowledge